The following is an entry in ClinVar:

ClinVar aggregate classification (germline): Uncertain significance (1 of 4 stars; one submission).

Conditions:
Inborn genetic diseases. Identifiers: MedGen C0950123, MeSH D030342.

Submission:

Ambry Genetics
Classification: Uncertain significance for Inborn genetic diseases. Last evaluated: 2024-12-02. Review status: criteria provided, single submitter. Criteria: Ambry Variant Classification Scheme 2023. Collection method: clinical testing. Allele origin: germline.
Comment: The p.L1043R variant (also known as c.3128T>G), located in coding exon 18 of the RECQL4 gene, results from a T to G substitution at nucleotide position 3128. The leucine at codon 1043 is replaced by arginine, an amino acid with dissimilar properties. This amino acid position is conserved. In addition, the in silico prediction for this alteration is inconclusive. Based on the available evidence, the clinical significance of this variant remains unclear.

NM_004260.4(RECQL4):c.3128T>G (p.Leu1043Trp)

Gene: RECQL4 (RecQ like helicase 4; minus strand). Cytogenetic location: 8q24.3.
Variant type: single nucleotide variant.
Coding change: c.3128T>G on transcript NM_004260.4 (MANE Select); coding-DNA position 3128, T replaced by G.
Protein change: p.Leu1043Trp; replaces leucine 1043 with tryptophan.
Molecular consequence: missense variant. On other transcripts: non-coding transcript variant (3).
Genome position (GRCh38, 1-based): chr8:144,512,252, A>C on the plus strand (T>G on the coding strand, the complement: RECQL4 is on the minus strand). VCF-style: chr8-144512252-A-C. GRCh37 (hg19) VCF-style: chr8-145737635-A-C.
Other names: c.2834T>G, p.Leu945Trp (NM_001413017.1); c.2930T>G, p.Leu977Trp (NM_001413018.1); c.3203T>G, p.Leu1068Trp (NM_001413019.1); c.3032T>G, p.Leu1011Trp (NM_001413020.1); c.2057T>G, p.Leu686Trp (NM_001413021.1, NM_001413022.1, NM_001413024.1 and 4 more transcripts); c.2132T>G, p.Leu711Trp (NM_001413023.1); c.2999T>G, p.Leu1000Trp (NM_001413025.1); c.1991T>G, p.Leu664Trp (NM_001413027.1, NM_001413030.1, NM_001413032.1); and 9 more; short protein forms L1000W, L1011W, L1033W, L554W, L689W, L926W, L642W, L676W.
Identifiers: ClinVar variation 3152840 (VCV003152840.2), dbSNP rs398124118, ClinGen allele CA372670435.
Genomic context (GRCh38, chr8:144,512,252, plus strand): 5'-TCCCGGGCCTGCACACGGCCATAGAGGAAGTCACATATCTGGTCCTTCTCCTCAGCGGTC[A>C]AGTCCCCCGGGCTGCGAAGGTGGAAGGCCAGCTCACTGAACTCCACAAGCACCCCTGTCC-3'
Protein context (NP_004251.4, residues 1033-1053): LAFHLRSPGD[Leu1043Trp]TAEEKDQICD